The following is an entry in ClinVar:

ClinVar aggregate classification (germline): Uncertain significance. Review status: criteria provided, multiple submitters, no conflicts (2 of 4 stars). 2 submissions from 2 submitters: Uncertain significance (2). Last evaluated 2026-01-05.

Conditions:
Dilated cardiomyopathy 1J (CMD1J). Also called: CARDIOMYOPATHY, DILATED, WITH SENSORINEURAL HEARING LOSS, AUTOSOMAL DOMINANT. Identifiers: Orphanet 217622, MedGen C1854368, MONDO:0011541, OMIM 605362.
Cardiovascular phenotype. Identifiers: MedGen CN230736.

Allele frequency attached by ClinVar (database versions not stated): gnomAD exomes below 0.00001; ExAC 0.00001.

Submissions (2):

Ambry Genetics
Classification: Uncertain significance for Cardiovascular phenotype. Last evaluated: 2026-01-05. Review status: criteria provided, single submitter. Criteria: Ambry Variant Classification Scheme 2023. Collection method: clinical testing. Allele origin: germline.
Comment: The p.Y163C variant (also known as c.488A>G), located in coding exon 7 of the EYA4 gene, results from an A to G substitution at nucleotide position 488. The tyrosine at codon 163 is replaced by cysteine, an amino acid with highly dissimilar properties. This amino acid position is highly conserved in available vertebrate species. In addition, this alteration is predicted to be deleterious by in silico analysis. The evidence for this gene-disease relationship is limited for cardiomyopathy; therefore, the clinical significance of this alteration is unclear.

Labcorp Genetics (formerly Invitae), Labcorp
Classification: Uncertain significance for Dilated cardiomyopathy 1J. Last evaluated: 2025-03-30. Review status: criteria provided, single submitter. Criteria: Invitae Variant Classification Sherloc (09022015). Collection method: clinical testing. Allele origin: germline.
Comment: This sequence change replaces tyrosine, which is neutral and polar, with cysteine, which is neutral and slightly polar, at codon 163 of the EYA4 protein (p.Tyr163Cys). This variant is present in population databases (rs771991761, gnomAD 0.0009%). This variant has not been reported in the literature in individuals affected with EYA4-related conditions. ClinVar contains an entry for this variant (Variation ID: 1967485). Invitae Evidence Modeling of protein sequence and biophysical properties (such as structural, functional, and spatial information, amino acid conservation, physicochemical variation, residue mobility, and thermodynamic stability) indicates that this missense variant is not expected to disrupt EYA4 protein function with a negative predictive value of 80%. In summary, the available evidence is currently insufficient to determine the role of this variant in disease. Therefore, it has been classified as a Variant of Uncertain Significance.

NM_004100.5(EYA4):c.488A>G (p.Tyr163Cys)

Gene: EYA4 (EYA transcriptional coactivator and phosphatase 4; plus strand). Cytogenetic location: 6q23.2.
Variant type: single nucleotide variant.
Coding change: c.488A>G on transcript NM_004100.5 (MANE Select); coding-DNA position 488, A replaced by G.
Protein change: p.Tyr163Cys; replaces tyrosine 163 with cysteine.
Molecular consequence: missense variant.
Genome position (GRCh38, 1-based): chr6:133,462,385, A>G. VCF-style: chr6-133462385-A-G. GRCh37 (hg19) VCF-style: chr6-133783523-A-G.
Other names: c.326A>G, p.Tyr109Cys (NM_001301012.2, NM_001370459.1); c.488A>G, p.Tyr163Cys (NM_001301013.2, NM_172105.4); c.419A>G, p.Tyr140Cys (NM_001370458.1, NM_172103.4); c.488A>G (NM_004100.4); short protein forms Y163C, Y109C, Y140C.
Identifiers: ClinVar variation 1967485 (VCV001967485.6), dbSNP rs771991761, ClinGen allele CA4008081.